The following is an entry in ClinVar:

ClinVar aggregate classification (germline): Uncertain significance. Review status: criteria provided, multiple submitters, no conflicts (2 of 4 stars). 2 submissions from 2 submitters: Uncertain significance (2). Last evaluated 2024-08-22.

Conditions:
Hereditary breast ovarian cancer syndrome. Also called: Hereditary breast and ovarian cancer syndrome; BRCA1- and BRCA2-Associated Hereditary Breast and Ovarian Cancer; Breast and ovarian cancer; Hereditary breast and/or ovarian cancer syndrome; Hereditary breast and ovarian cancer; Hereditary breast and ovarian cancer syndrome (HBOC). Identifiers: Orphanet 145, MedGen C0677776, MeSH D061325, MONDO:0003582. Disease mechanism: loss of function.
Hereditary cancer-predisposing syndrome. Also called: Neoplastic Syndromes, Hereditary; Tumor predisposition; Hereditary Cancer Syndrome; Hereditary neoplastic syndrome. Identifiers: Orphanet 140162, MedGen C0027672, MeSH D009386, MONDO:0015356.

Allele frequency attached by ClinVar (database versions not stated): gnomAD exomes 0.00001.
gnomAD v4.1: 8 of 1,614,114 alleles (0.0005%); highest among the groups gnomAD compares: Non-Finnish European, 0.00068%; no homozygotes.

Submissions (2):

Labcorp Genetics (formerly Invitae), Labcorp
Classification: Uncertain significance for Hereditary breast ovarian cancer syndrome. Last evaluated: 2024-08-22. Review status: criteria provided, single submitter. Criteria: Invitae Variant Classification Sherloc (09022015). Collection method: clinical testing. Allele origin: germline.
Comment: This sequence change replaces serine, which is neutral and polar, with proline, which is neutral and non-polar, at codon 2590 of the BRCA2 protein (p.Ser2590Pro). This variant is not present in population databases (gnomAD no frequency). This variant has not been reported in the literature in individuals affected with BRCA2-related conditions. ClinVar contains an entry for this variant (Variation ID: 232802). Invitae Evidence Modeling of protein sequence and biophysical properties (such as structural, functional, and spatial information, amino acid conservation, physicochemical variation, residue mobility, and thermodynamic stability) indicates that this missense variant is not expected to disrupt BRCA2 protein function with a negative predictive value of 95%. In summary, the available evidence is currently insufficient to determine the role of this variant in disease. Therefore, it has been classified as a Variant of Uncertain Significance.

Ambry Genetics
Classification: Uncertain significance for Hereditary cancer-predisposing syndrome. Last evaluated: 2024-03-25. Review status: criteria provided, single submitter. Criteria: Ambry Variant Classification Scheme 2023. Collection method: clinical testing. Allele origin: germline.
Comment: The p.S2590P variant (also known as c.7768T>C), located in coding exon 15 of the BRCA2 gene, results from a T to C substitution at nucleotide position 7768. The serine at codon 2590 is replaced by proline, an amino acid with similar properties. This amino acid position is not well conserved in available vertebrate species. In addition, the in silico prediction for this alteration is inconclusive. Since supporting evidence is limited at this time, the clinical significance of this alteration remains unclear.

NM_000059.4(BRCA2):c.7768T>C (p.Ser2590Pro)

Gene: BRCA2 (BRCA2 DNA repair associated; plus strand). Cytogenetic location: 13q13.1.
Variant type: single nucleotide variant.
Coding change: c.7768T>C on transcript NM_000059.4 (MANE Select); coding-DNA position 7768, T replaced by C.
Protein change: p.Ser2590Pro; replaces serine 2590 with proline.
Molecular consequence: missense variant.
Genome position (GRCh38, 1-based): chr13:32,357,892, T>C. VCF-style: chr13-32357892-T-C. GRCh37 (hg19) VCF-style: chr13-32932029-T-C.
Other names: short protein forms S2590P.
Identifiers: ClinVar variation 232802 (VCV000232802.8), dbSNP rs397507392, ClinGen allele CA10579753.
Genomic context (GRCh38, chr13:32,357,892, plus strand): 5'-AAGGAAAGTTTATGGACTGGAAAAGGAATACAGTTGGCTGATGGTGGATGGCTCATACCC[T>C]CCAATGATGGAAAGGCTGGAAAAGAAGAATTTTATAGGTACTCTATGCAAAAAGATTGTG-3'
Protein context (NP_000050.3, residues 2580-2600): QLADGGWLIP[Ser2590Pro]NDGKAGKEEF